The following is an entry in ClinVar:

ClinVar aggregate classification (germline): Pathogenic (1 of 4 stars; one submission).

Conditions:
Duchenne muscular dystrophy (DMD). Also called: MUSCULAR DYSTROPHY, PSEUDOHYPERTROPHIC PROGRESSIVE, DUCHENNE TYPE; Duchenne Muscular Dystrophy (DMD). Identifiers: Orphanet 98896, MedGen C0013264, MONDO:0010679, OMIM 310200.

Submission:

Labcorp Genetics (formerly Invitae), Labcorp
Classification: Pathogenic for Duchenne muscular dystrophy. Last evaluated: 2022-11-06. Review status: criteria provided, single submitter. Criteria: Invitae Variant Classification Sherloc (09022015). Collection method: clinical testing. Allele origin: unknown.
Comment: For these reasons, this variant has been classified as Pathogenic. A similar copy number variant has been observed in individuals with Duchenne or Becker muscular dystrophy (PMID: 16917894, 27206868). This variant results in a copy number gain of the genomic region encompassing exon(s) 8-16 of the DMD gene. While the exact position of this variant cannot be determined from the data, sub-genic copy number gains are generally in tandem (PMID: 25640679). This variant is predicted to be out-of-frame, and may result in an absent or disrupted protein product. Loss-of-function variants in DMD are known to be pathogenic (PMID: 16770791, 25007885).

Literature cited by the submitters: PubMed 16917894; PubMed 27206868; PubMed 25640679; PubMed 16770791; PubMed 25007885.

NC_000023.10:g.(?_32583799)_(32756908_?)dup

Gene: DMD (dystrophin; minus strand). Cytogenetic location: Xp21.1.
Variant type: Duplication.
Identifiers: ClinVar variation 3243383 (VCV003243383.1).